The following is an entry in ClinVar:

ClinVar aggregate classification (germline): Uncertain significance (1 of 4 stars; one submission).

Conditions:
Hereditary cancer-predisposing syndrome. Also called: Neoplastic Syndromes, Hereditary; Tumor predisposition; Hereditary neoplastic syndrome; Hereditary Cancer Syndrome. Identifiers: Orphanet 140162, MedGen C0027672, MeSH D009386, MONDO:0015356.

Submission:

Ambry Genetics
Classification: Uncertain significance for Hereditary cancer-predisposing syndrome. Last evaluated: 2026-07-07. Review status: criteria provided, single submitter. Criteria: Ambry Variant Classification Scheme 2023. Collection method: clinical testing. Allele origin: germline.
Comment: The p.P160L variant (also known as c.479C>T), located in coding exon 4 of the CDH1 gene, results from a C to T substitution at nucleotide position 479. The proline at codon 160 is replaced by leucine, an amino acid with similar properties. This amino acid position is conserved. In addition, this alteration is predicted to be deleterious by in silico analysis. Based on the available evidence, the clinical significance of this variant remains unclear.

NM_004360.5(CDH1):c.479C>T (p.Pro160Leu)

Gene: CDH1 (cadherin 1; plus strand). Cytogenetic location: 16q22.1.
Variant type: single nucleotide variant.
Coding change: c.479C>T on transcript NM_004360.5 (MANE Select); coding-DNA position 479, C replaced by T.
Protein change: p.Pro160Leu; replaces proline 160 with leucine.
Molecular consequence: missense variant. On other transcripts: 5 prime UTR variant (2).
Genome position (GRCh38, 1-based): chr16:68,808,515, C>T. VCF-style: chr16-68808515-C-T. GRCh37 (hg19) VCF-style: chr16-68842418-C-T.
Other names: c.479C>T, p.Pro160Leu (NM_001317184.2); c.-1137C>T (NM_001317185.2); c.-1341C>T (NM_001317186.2); short protein forms P160L.
Identifiers: ClinVar variation 5033974 (VCV005033974.1).